The following is an entry in ClinVar:

NM_000179.3(MSH6):c.3590C>G (p.Thr1197Ser)

Gene: MSH6 (mutS homolog 6; plus strand). Cytogenetic location: 2p16.3.
Variant type: single nucleotide variant.
Coding change: c.3590C>G on transcript NM_000179.3 (MANE Select); coding-DNA position 3590, C replaced by G.
Protein change: p.Thr1197Ser; replaces threonine 1197 with serine.
Molecular consequence: missense variant.
Genome position (GRCh38, 1-based): chr2:47,805,651, C>G. VCF-style: chr2-47805651-C-G. GRCh37 (hg19) VCF-style: chr2-48032790-C-G.
Other names: c.3200C>G, p.Thr1067Ser (NM_001281492.2); c.2684C>G, p.Thr895Ser (NM_001281493.2, NM_001281494.2); short protein forms T1197S, T895S, T1067S.
Identifiers: ClinVar variation 1437433 (VCV001437433.12), dbSNP rs1298129961, ClinGen allele CA346760534.

ClinVar aggregate classification (germline): Conflicting classifications of pathogenicity. Review status: criteria provided, conflicting classifications (1 of 4 stars). 4 submissions from 4 submitters: Uncertain significance (3); Likely benign (1). Last evaluated 2025-06-18.

Conditions:
Hereditary cancer-predisposing syndrome. Also called: Neoplastic Syndromes, Hereditary; Hereditary Cancer Syndrome; Hereditary neoplastic syndrome; Tumor predisposition. Identifiers: Orphanet 140162, MedGen C0027672, MeSH D009386, MONDO:0015356.
Hereditary nonpolyposis colorectal neoplasms. Identifiers: MedGen C0009405, MeSH D003123.

Allele frequency attached by ClinVar (database versions not stated): gnomAD exomes below 0.00001.
gnomAD v4.1: 8 of 1,611,688 alleles (0.0005%); highest among the groups gnomAD compares: Admixed American, 0.0017%; no homozygotes.

Submissions (4):

Labcorp Genetics (formerly Invitae), Labcorp
Classification: Likely benign for Hereditary nonpolyposis colorectal neoplasms. Last evaluated: 2025-06-18. Review status: criteria provided, single submitter. Criteria: Invitae Variant Classification Sherloc (09022015). Collection method: clinical testing. Allele origin: germline.

Ambry Genetics
Classification: Uncertain significance for Hereditary cancer-predisposing syndrome. Last evaluated: 2025-06-13. Review status: criteria provided, single submitter. Criteria: Ambry Variant Classification Scheme 2023. Collection method: clinical testing. Allele origin: germline.
Comment: The p.T1197S variant (also known as c.3590C>G), located in coding exon 7 of the MSH6 gene, results from a C to G substitution at nucleotide position 3590. The threonine at codon 1197 is replaced by serine, an amino acid with similar properties. This amino acid position is highly conserved in available vertebrate species. In addition, this alteration is predicted to be deleterious by in silico analysis. Since supporting evidence is limited at this time, the clinical significance of this alteration remains unclear.

Color Diagnostics, LLC DBA Color Health
Classification: Uncertain significance for Hereditary cancer-predisposing syndrome. Last evaluated: 2025-06-02. Review status: criteria provided, single submitter. Criteria: ACMG Guidelines, 2015. Collection method: clinical testing. Allele origin: germline.
Comment: This missense variant replaces threonine with serine at codon 1197 of the MSH6 protein. Computational prediction suggests that this variant may have deleterious impact on protein structure and function. To our knowledge, functional studies have not been reported for this variant. This variant has not been reported in individuals affected with MSH6-related disorders in the literature. This variant has been identified in 1/251420 chromosomes in the general population by the Genome Aggregation Database (gnomAD). The available evidence is insufficient to determine the role of this variant in disease conclusively. Therefore, this variant is classified as a Variant of Uncertain Significance.

GeneDx
Classification: Uncertain significance. Last evaluated: 2023-10-16. Review status: criteria provided, single submitter. Criteria: GeneDx Variant Classification Process June 2021. Collection method: clinical testing. Allele origin: germline. Affected: yes.
Comment: Not observed at significant frequency in large population cohorts (gnomAD); In silico analysis supports that this missense variant has a deleterious effect on protein structure/function; Has not been previously published as pathogenic or benign to our knowledge; This variant is associated with the following publications: (PMID: 17531815, 21120944)